The following is an entry in ClinVar:

ClinVar aggregate classification (germline): Uncertain significance (1 of 4 stars; one submission).

Submission:

GeneDx
Classification: Uncertain significance. Last evaluated: 2023-12-29. Review status: criteria provided, single submitter. Criteria: GeneDx Variant Classification Process June 2021. Collection method: clinical testing. Allele origin: germline. Affected: yes.
Comment: Nonsense variant predicted to result in protein truncation as the last 379 amino acids are lost in a gene for which loss-of-function is not an established mechanism of disease; Not observed at significant frequency in large population cohorts (gnomAD); Has not been previously published as pathogenic or benign to our knowledge; Variants in candidate genes are classified as variants of uncertain significance in accordance with ACMG guidelines (PMID: 25741868)

NM_182699.4(DDX53):c.758G>A (p.Trp253Ter)

Genes: DDX53 (DEAD-box helicase 53; plus strand), PTCHD1-AS (PTCHD1 antisense RNA (head to head); minus strand). Cytogenetic location: Xp22.11.
Variant type: single nucleotide variant.
Coding change: c.758G>A on transcript NM_182699.4 (MANE Select); coding-DNA position 758, G replaced by A.
Protein change: p.Trp253Ter; replaces tryptophan 253 with a stop codon.
Molecular consequence: nonsense.
Genome position (GRCh38, 1-based): chrX:23,000,815, G>A. VCF-style: chrX-23000815-G-A. GRCh37 (hg19) VCF-style: chrX-23018932-G-A.
Other names: short protein forms W253*.
Identifiers: ClinVar variation 3573587 (VCV003573587.1).